The following is an entry in ClinVar:

ClinVar aggregate classification (germline): Uncertain significance (1 of 4 stars; one submission).

Submission:

GeneDx
Classification: Uncertain significance. Last evaluated: 2023-06-27. Review status: criteria provided, single submitter. Criteria: GeneDx Variant Classification Process June 2021. Collection method: clinical testing. Allele origin: germline. Affected: yes.
Comment: Not observed at significant frequency in large population cohorts (gnomAD); In silico analysis supports a deleterious effect on protein structure/function; Has not been previously published as pathogenic or benign to our knowledge

NM_153252.5(BRWD3):c.4177_4178delinsTT (p.Asp1393Phe)

Gene: BRWD3 (bromodomain and WD repeat domain containing 3; minus strand). Cytogenetic location: Xq21.1.
Variant type: Indel.
Coding change: c.4177_4178delinsTT on transcript NM_153252.5 (MANE Select); coding-DNA positions 4177 to 4178, GA replaced by TT.
Protein change: p.Asp1393Phe; replaces aspartic acid 1393 with phenylalanine.
Molecular consequence: missense variant.
Genome position (GRCh38, 1-based): chrX:80,684,065-80,684,066, TC replaced by AA on the plus strand (GA replaced by TT on the coding strand, the reverse complement: BRWD3 is on the minus strand). VCF-style: chrX-80684065-TC-AA. GRCh37 (hg19) VCF-style: chrX-79939564-TC-AA.
Other names: short protein forms D1393F.
Identifiers: ClinVar variation 3360584 (VCV003360584.1).